The following is an entry in ClinVar:

NM_014974.3(DIP2C):c.2297C>T (p.Pro766Leu)

Genes: DIP2C (DIP2 acetate--CoA ligase C (putative); minus strand), LOC126860806 (MED14-independent group 3 enhancer GRCh37_chr10:409736-410935; plus strand). Cytogenetic location: 10p15.3.
Variant type: single nucleotide variant.
Coding change: c.2297C>T on transcript NM_014974.3 (MANE Select); coding-DNA position 2297, C replaced by T.
Protein change: p.Pro766Leu; replaces proline 766 with leucine.
Molecular consequence: missense variant.
Genome position (GRCh38, 1-based): chr10:364,554, G>A on the plus strand (C>T on the coding strand, the complement: DIP2C is on the minus strand). VCF-style: chr10-364554-G-A. GRCh37 (hg19) VCF-style: chr10-410494-G-A.
Other names: short protein forms P766L.
Identifiers: ClinVar variation 2057878 (VCV002057878.4), dbSNP rs756599363, ClinGen allele CA5380476.
Genomic context (GRCh38, chr10:364,554, plus strand): 5'-AGGCCTCCGGGACCCACGAACCCCAGCAAGCCTGTCCTTATGAATGGGTATTCACTGATC[G>A]GAGCCCCGGAGCTTGTCATGGGAAACACCTGGGGGAAACAGCATCCATCAGGCCACTGTT-3'
Protein context (NP_055789.1, residues 756-776): EVFPMTSSGA[Pro766Leu]ISEYPFIRTG

ClinVar aggregate classification (germline): Uncertain significance (1 of 4 stars; one submission).

Allele frequency attached by ClinVar (database versions not stated): gnomAD exomes 0.00003; gnomAD 0.00005; TOPMed 0.00003; ExAC 0.00007.
gnomAD v4.1: 48 of 1,613,860 alleles (0.003%); highest among the groups gnomAD compares: East Asian, 0.013%; no homozygotes.

Submission:

Labcorp Genetics (formerly Invitae), Labcorp
Classification: Uncertain significance. Last evaluated: 2022-10-19. Review status: criteria provided, single submitter. Criteria: Invitae Variant Classification Sherloc (09022015). Collection method: clinical testing. Allele origin: germline.
Comment: In summary, the available evidence is currently insufficient to determine the role of this variant in disease. Therefore, it has been classified as a Variant of Uncertain Significance. Algorithms developed to predict the effect of missense changes on protein structure and function (SIFT, PolyPhen-2, Align-GVGD) all suggest that this variant is likely to be tolerated. This variant has not been reported in the literature in individuals affected with DIP2C-related conditions. This variant is present in population databases (rs756599363, gnomAD 0.02%). This sequence change replaces proline, which is neutral and non-polar, with leucine, which is neutral and non-polar, at codon 766 of the DIP2C protein (p.Pro766Leu).